The following is an entry in ClinVar:

NM_020822.3(KCNT1):c.2881C>T (p.Arg961Cys)

Gene: KCNT1 (potassium sodium-activated channel subfamily T member 1; plus strand). Cytogenetic location: 9q34.3.
Variant type: single nucleotide variant.
Coding change: c.2881C>T on transcript NM_020822.3 (MANE Select); coding-DNA position 2881, C replaced by T.
Protein change: p.Arg961Cys; replaces arginine 961 with cysteine.
Molecular consequence: missense variant.
Genome position (GRCh38, 1-based): chr9:135,784,063, C>T. VCF-style: chr9-135784063-C-T. GRCh37 (hg19) VCF-style: chr9-138675909-C-T.
Other names: c.2746C>T, p.Arg916Cys (NM_001272003.2); short protein forms R916C, R961C.
Identifiers: ClinVar variation 1701901 (VCV001701901.4), dbSNP rs1178947201, ClinGen allele CA375517426.

ClinVar aggregate classification (germline): Uncertain significance. Review status: criteria provided, multiple submitters, no conflicts (2 of 4 stars). 2 submissions from 2 submitters: Uncertain significance (2). Last evaluated 2023-05-25.

Conditions:
Autosomal dominant nocturnal frontal lobe epilepsy 5. Also called: CILIARY DYSKINESIA, PRIMARY, 28, WITHOUT SITUS INVERSUS; CILIARY DYSKINESIA, PRIMARY, 28, WITH SITUS INVERSUS; Epilepsy, nocturnal frontal lobe, 5; KCNT1-Related Epilepsy. Identifiers: Orphanet 98784, MedGen C3554306, MONDO:0014002, OMIM 615005.
Developmental and epileptic encephalopathy, 14 (DEE14). Also called: Early infantile epileptic encephalopathy 14. Identifiers: Orphanet 293181, MedGen C3554195, MONDO:0013989, OMIM 614959.
Neurodevelopmental disorder. Identifiers: MedGen C1535926, MeSH D065886, MONDO:0700092.

Allele frequency attached by ClinVar (database versions not stated): gnomAD exomes below 0.00001; gnomAD 0.00001; TOPMed 0.00001.
gnomAD v4.1: 5 of 1,605,662 alleles (0.00031%); highest among the groups gnomAD compares: Non-Finnish European, 0.00042%; no homozygotes.

Submissions (2):

Labcorp Genetics (formerly Invitae), Labcorp
Classification: Uncertain significance for Autosomal dominant nocturnal frontal lobe epilepsy 5; Developmental and epileptic encephalopathy, 14. Last evaluated: 2023-05-25. Review status: criteria provided, single submitter. Criteria: Invitae Variant Classification Sherloc (09022015). Collection method: clinical testing. Allele origin: germline.
Comment: ClinVar contains an entry for this variant (Variation ID: 1701901). Advanced modeling of protein sequence and biophysical properties (such as structural, functional, and spatial information, amino acid conservation, physicochemical variation, residue mobility, and thermodynamic stability) has been performed at Invitae for this missense variant, however the output from this modeling did not meet the statistical confidence thresholds required to predict the impact of this variant on KCNT1 protein function. This variant disrupts the p.Arg961 amino acid residue in KCNT1. Other variant(s) that disrupt this residue have been determined to be pathogenic (PMID: 29186148, 34114611; Invitae). This suggests that this residue is clinically significant, and that variants that disrupt this residue are likely to be disease-causing. In summary, the available evidence is currently insufficient to determine the role of this variant in disease. Therefore, it has been classified as a Variant of Uncertain Significance. This sequence change replaces arginine, which is basic and polar, with cysteine, which is neutral and slightly polar, at codon 961 of the KCNT1 protein (p.Arg961Cys). This variant is not present in population databases (gnomAD no frequency). This variant has not been reported in the literature in individuals affected with KCNT1-related conditions.

Laboratory of Molecular Genetics (Pr. Bezieau's lab), CHU de Nantes
Classification: Uncertain significance for Neurodevelopmental disorder. Last evaluated: 2022-06-06. Review status: criteria provided, single submitter. Criteria: ACMG Guidelines, 2015. Collection method: clinical testing. Allele origin: germline. Affected: yes.

Literature cited by the submitters: PubMed 29186148 (cited by Labcorp Genetics (formerly Invitae), Labcorp); PubMed 34114611 (cited by Labcorp Genetics (formerly Invitae), Labcorp).